The following is an entry in ClinVar:

ClinVar aggregate classification (germline): Pathogenic. Review status: criteria provided, multiple submitters, no conflicts (2 of 4 stars). 2 submissions from 2 submitters: Pathogenic (2). Last evaluated 2024-03-26.

Conditions:
Neurofibromatosis, type 1 (NF1). Also called: VON RECKLINGHAUSEN DISEASE; NEUROFIBROMATOSIS, TYPE I, SOMATIC; Peripheral type neurofibromatosis; Neurofibromatosis, type I. Identifiers: Orphanet 636, MedGen C0027831, MONDO:0018975, OMIM 162200. Disease mechanism: loss of function.

Submissions (2):

GeneDx
Classification: Pathogenic. Last evaluated: 2024-03-26. Review status: criteria provided, single submitter. Criteria: GeneDx Variant Classification Process June 2021. Collection method: clinical testing. Allele origin: germline. Affected: yes.
Comment: Canonical splice site variant predicted to result in a null allele in a gene for which loss of function is a known mechanism of disease; Not observed at significant frequency in large population cohorts (gnomAD); This variant is associated with the following publications: (PMID: 30028779, 30014477)

Labcorp Genetics (formerly Invitae), Labcorp
Classification: Pathogenic for Neurofibromatosis, type 1. Last evaluated: 2023-05-04. Review status: criteria provided, single submitter. Criteria: Invitae Variant Classification Sherloc (09022015). Collection method: clinical testing. Allele origin: germline.
Comment: Algorithms developed to predict the effect of sequence changes on RNA splicing suggest that this variant may disrupt the consensus splice site. ClinVar contains an entry for this variant (Variation ID: 561950). Disruption of this splice site has been observed in individuals with clinical features of neurofibromatosis, type 1 (PMID: 23913538, 30014477, 31730495; Invitae). This variant is not present in population databases (gnomAD no frequency). This sequence change affects a donor splice site in intron 22 of the NF1 gene. It is expected to disrupt RNA splicing. Variants that disrupt the donor or acceptor splice site typically lead to a loss of protein function (PMID: 16199547), and loss-of-function variants in NF1 are known to be pathogenic (PMID: 10712197, 23913538). For these reasons, this variant has been classified as Pathogenic.

Literature cited by the submitters: PubMed 23913538 (cited by Labcorp Genetics (formerly Invitae), Labcorp); PubMed 30014477 (cited by Labcorp Genetics (formerly Invitae), Labcorp); PubMed 31730495 (cited by Labcorp Genetics (formerly Invitae), Labcorp); PubMed 16199547 (cited by Labcorp Genetics (formerly Invitae), Labcorp); PubMed 10712197 (cited by Labcorp Genetics (formerly Invitae), Labcorp).

NM_001042492.3(NF1):c.2990+1G>T

Gene: NF1 (neurofibromin 1; plus strand). Cytogenetic location: 17q11.2.
Variant type: single nucleotide variant.
Coding change: c.2990+1G>T on transcript NM_001042492.3 (MANE Select); the canonical splice donor site of the intron after coding-DNA position 2990, G replaced by T.
Molecular consequence: splice donor variant.
Genome position (GRCh38, 1-based): chr17:31,229,975, G>T. VCF-style: chr17-31229975-G-T. GRCh37 (hg19) VCF-style: chr17-29556993-G-T.
Other names: c.2990+1G>T (NM_000267.4).
Identifiers: ClinVar variation 561950 (VCV000561950.5), dbSNP rs1135402836, ClinGen allele CA398986465.